The following is an entry in ClinVar:

ClinVar aggregate classification (germline): Uncertain significance. Review status: criteria provided, multiple submitters, no conflicts (2 of 4 stars). 2 submissions from 2 submitters: Uncertain significance (2). Last evaluated 2024-02-18.

Conditions:
Koolen-de Vries syndrome (KDVS). Identifiers: Orphanet 96169, MedGen C1864871, MONDO:0012496, OMIM 610443.

Allele frequency attached by ClinVar (database versions not stated): gnomAD exomes below 0.00001.
gnomAD v4.1: 3 of 1,601,062 alleles (0.00019%); highest among the groups gnomAD compares: Non-Finnish European, 0.00026%; no homozygotes.

Submissions (2):

Fulgent Genetics
Classification: Uncertain significance for Koolen-de Vries syndrome. Last evaluated: 2024-02-18. Review status: criteria provided, single submitter. Criteria: ACMG Guidelines, 2015. Collection method: clinical testing. Allele origin: germline.

Labcorp Genetics (formerly Invitae), Labcorp
Classification: Uncertain significance for Koolen-de Vries syndrome. Last evaluated: 2023-10-16. Review status: criteria provided, single submitter. Criteria: Invitae Variant Classification Sherloc (09022015). Collection method: clinical testing. Allele origin: germline.
Comment: This sequence change replaces histidine, which is basic and polar, with tyrosine, which is neutral and polar, at codon 522 of the KANSL1 protein (p.His522Tyr). This variant is not present in population databases (gnomAD no frequency). This variant has not been reported in the literature in individuals affected with KANSL1-related conditions. ClinVar contains an entry for this variant (Variation ID: 643356). Advanced modeling of protein sequence and biophysical properties (such as structural, functional, and spatial information, amino acid conservation, physicochemical variation, residue mobility, and thermodynamic stability) performed at Invitae indicates that this missense variant is not expected to disrupt KANSL1 protein function. In summary, the available evidence is currently insufficient to determine the role of this variant in disease. Therefore, it has been classified as a Variant of Uncertain Significance.

NM_015443.4(KANSL1):c.1564C>T (p.His522Tyr)

Gene: KANSL1 (KAT8 regulatory NSL complex subunit 1). Cytogenetic location: 17q21.31.
Variant type: single nucleotide variant.
Coding change: c.1564C>T on transcript NM_015443.4 (MANE Select); coding-DNA position 1564, C replaced by T.
Protein change: p.His522Tyr; replaces histidine 522 with tyrosine.
Molecular consequence: missense variant.
Genome position (GRCh38, 1-based): chr17:46,067,637, G>A on the plus strand (C>T on the coding strand, the complement: KANSL1 is on the minus strand). VCF-style: chr17-46067637-G-A. GRCh37 (hg19) VCF-style: chr17-44145003-G-A.
Other names: c.1564C>T, p.His522Tyr (NM_001193465.2, NM_001193466.2, NM_001379198.1); short protein forms H522Y.
Identifiers: ClinVar variation 643356 (VCV000643356.11), dbSNP rs1598530886, ClinGen allele CA399987723.